The following is an entry in ClinVar:

ClinVar aggregate classification (germline): Uncertain significance (1 of 4 stars; one submission).

gnomAD v4.1: 26 of 1,614,124 alleles (0.0016%); highest among the groups gnomAD compares: Non-Finnish European, 0.0022%; no homozygotes.

Submission:

Labcorp Genetics (formerly Invitae), Labcorp
Classification: Uncertain significance. Last evaluated: 2022-04-15. Review status: criteria provided, single submitter. Criteria: Invitae Variant Classification Sherloc (09022015). Collection method: clinical testing. Allele origin: germline.
Comment: In summary, the available evidence is currently insufficient to determine the role of this variant in disease. Therefore, it has been classified as a Variant of Uncertain Significance. Algorithms developed to predict the effect of missense changes on protein structure and function (SIFT, PolyPhen-2, Align-GVGD) all suggest that this variant is likely to be tolerated. This variant has not been reported in the literature in individuals affected with VPS13D-related conditions. This variant is not present in population databases (gnomAD no frequency). This sequence change replaces arginine, which is basic and polar, with histidine, which is basic and polar, at codon 2799 of the VPS13D protein (p.Arg2799His).

NM_015378.4(VPS13D):c.8396G>A (p.Arg2799His)

Gene: VPS13D (vacuolar protein sorting 13 homolog D; plus strand). Cytogenetic location: 1p36.22.
Variant type: single nucleotide variant.
Coding change: c.8396G>A on transcript NM_015378.4 (MANE Select); coding-DNA position 8396, G replaced by A.
Protein change: p.Arg2799His; replaces arginine 2799 with histidine.
Molecular consequence: missense variant.
Genome position (GRCh38, 1-based): chr1:12,333,334, G>A. VCF-style: chr1-12333334-G-A. GRCh37 (hg19) VCF-style: chr1-12393391-G-A.
Other names: c.8396G>A, p.Arg2799His (NM_018156.4); short protein forms R2799H.
Identifiers: ClinVar variation 2189478 (VCV002189478.4), dbSNP rs1643377361, ClinGen allele CA338487253.
Genomic context (GRCh38, chr1:12,333,334, plus strand): 5'-AGCAGGCAGCTAGTCGTCTCCATCCTCCTCGACTGAAGCTAGAAGCCAAGGCCAAACCTC[G>A]TTTGGATATCAATATCACTTCTGTGCTAATTGGTGAGTAGAAAGTTGTCTTTCATAGACT-3'
Protein context (NP_056193.2, residues 2789-2809): RLKLEAKAKP[Arg2799His]LDINITSVLI